The following is an entry in ClinVar:

ClinVar aggregate classification (germline): Uncertain significance (1 of 4 stars; one submission).

Allele frequency attached by ClinVar (database versions not stated): gnomAD exomes 0.00001; gnomAD 0.00001; TOPMed below 0.00001; ExAC 0.00001.
gnomAD v4.1: 24 of 1,606,816 alleles (0.0015%); highest among the groups gnomAD compares: Non-Finnish European, 0.0017%; no homozygotes.

Submission:

Labcorp Genetics (formerly Invitae), Labcorp
Classification: Uncertain significance. Last evaluated: 2021-08-31. Review status: criteria provided, single submitter. Criteria: Invitae Variant Classification Sherloc (09022015). Collection method: clinical testing. Allele origin: germline.
Comment: This sequence change replaces proline with serine at codon 1378 of the CPLANE1 protein (p.Pro1378Ser). The proline residue is moderately conserved and there is a moderate physicochemical difference between proline and serine. This variant is present in population databases (rs752467139, ExAC 0.001%). This variant has not been reported in the literature in individuals affected with CPLANE1-related conditions. Algorithms developed to predict the effect of missense changes on protein structure and function output the following: SIFT: "Deleterious"; PolyPhen-2: "Possibly Damaging"; Align-GVGD: "Class C0". The serine amino acid residue is found in multiple mammalian species, which suggests that this missense change does not adversely affect protein function. In summary, the available evidence is currently insufficient to determine the role of this variant in disease. Therefore, it has been classified as a Variant of Uncertain Significance.

NM_001384732.1(CPLANE1):c.4132C>T (p.Pro1378Ser)

Gene: CPLANE1 (ciliogenesis and planar polarity effector complex subunit 1; minus strand). Cytogenetic location: 5p13.2.
Variant type: single nucleotide variant.
Coding change: c.4132C>T on transcript NM_001384732.1 (MANE Select); coding-DNA position 4132, C replaced by T.
Protein change: p.Pro1378Ser; replaces proline 1378 with serine.
Molecular consequence: missense variant.
Genome position (GRCh38, 1-based): chr5:37,186,343, G>A on the plus strand (C>T on the coding strand, the complement: CPLANE1 is on the minus strand). VCF-style: chr5-37186343-G-A. GRCh37 (hg19) VCF-style: chr5-37186445-G-A.
Other names: c.4132C>T, p.Pro1378Ser (NM_023073.4); short protein forms P1378S.
Identifiers: ClinVar variation 580717 (VCV000580717.8), dbSNP rs752467139, ClinGen allele CA3238772.